The following is an entry in ClinVar:

NM_022124.6(CDH23):c.1428dup (p.Thr477fs)

Gene: CDH23 (cadherin related 23; plus strand). Cytogenetic location: 10q22.1.
Variant type: Duplication.
Coding change: c.1428dup on transcript NM_022124.6 (MANE Select); coding-DNA position 1428, one base duplicated (G; older notation c.1428dupG).
Protein change: p.Thr477fs; shifts the reading frame from threonine 477.
Molecular consequence: frameshift variant.
Genome position (GRCh38, 1-based): chr10:71,646,596, G duplicated; the last of 4 consecutive G bases (chr10:71,646,593-71,646,596); duplicating any one gives the same sequence. VCF-style (leftmost placement, unchanged base first): chr10-71646592-T-TG. GRCh37 (hg19) VCF-style: chr10-73406349-T-TG.
Other names: c.1428dup (NM_022124.5); c.1428dup, p.Thr477fs (NM_001171930.2, NM_001171931.2, NM_052836.4); c.1428dupG (NM_022124.6); short protein forms T477fs.
Identifiers: ClinVar variation 423771 (VCV000423771.15), dbSNP rs750803248, ClinGen allele CA5543801.

ClinVar aggregate classification (germline): Pathogenic/Likely pathogenic. Review status: criteria provided, multiple submitters, no conflicts (2 of 4 stars). 5 submissions from 5 submitters: Pathogenic (4); Likely pathogenic (1). Last evaluated 2025-11-13.

Conditions:
Inborn genetic diseases. Identifiers: MedGen C0950123, MeSH D030342.
Pituitary adenoma 5, multiple types. Identifiers: MedGen C4539685, MONDO:0054601, OMIM 617540.
Usher syndrome type 1D (USH1D). Also called: USHER SYNDROME, TYPE ID. Identifiers: Orphanet 231169, Orphanet 886, MedGen C1832845, MONDO:0010984, OMIM 601067.

Submissions (5):

Ambry Genetics
Classification: Pathogenic for Inborn genetic diseases. Last evaluated: 2025-11-13. Review status: criteria provided, single submitter. Criteria: Ambry Variant Classification Scheme 2023. Collection method: clinical testing. Allele origin: germline.
Comment: The c.1428dupG (p.T477Dfs*10) alteration, located in exon 14 (coding exon 13) of the CDH23 gene, consists of a duplication of G at position 1428, causing a translational frameshift with a predicted alternate stop codon after 10 amino acids. This alteration is expected to result in loss of function by premature protein truncation or nonsense-mediated mRNA decay. Based on data from gnomAD, the GG allele has an overall frequency of 0.001% (3/249290) total alleles studied. The highest observed frequency was 0.009% (3/34526) of Latino alleles. Based on the available evidence, this alteration is classified as pathogenic.

Labcorp Genetics (formerly Invitae), Labcorp
Classification: Pathogenic. Last evaluated: 2023-04-26. Review status: criteria provided, single submitter. Criteria: Invitae Variant Classification Sherloc (09022015). Collection method: clinical testing. Allele origin: germline.
Comment: For these reasons, this variant has been classified as Pathogenic. ClinVar contains an entry for this variant (Variation ID: 423771). This variant has not been reported in the literature in individuals affected with CDH23-related conditions. This variant is present in population databases (rs750803248, gnomAD 0.009%). This sequence change creates a premature translational stop signal (p.Thr477Aspfs*10) in the CDH23 gene. It is expected to result in an absent or disrupted protein product. Loss-of-function variants in CDH23 are known to be pathogenic (PMID: 11138009, 21940737).

Baylor Genetics
Classification: Likely pathogenic for Pituitary adenoma 5, multiple types. Last evaluated: 2022-02-10. Review status: criteria provided, single submitter. Criteria: ACMG Guidelines, 2015. Collection method: clinical testing. Allele origin: unknown.

Johns Hopkins Genomics, Johns Hopkins University
Classification: Pathogenic for Usher syndrome type 1D. Last evaluated: 2021-12-02. Review status: criteria provided, single submitter. Criteria: ACMG Guidelines, 2015. Collection method: clinical testing. Allele origin: germline.

GeneDx
Classification: Pathogenic. Last evaluated: 2017-03-03. Review status: criteria provided, single submitter. Criteria: GeneDx Variant Classification (06012015). Collection method: clinical testing. Allele origin: germline. Affected: yes.
Comment: The c.1428dupG variant in the CDH23 gene has not been reported previously as a pathogenic variant nor as a benign variant, to our knowledge. The c.1428dupG variant causes a frameshift starting with codon Threonine 477, changes this amino acid to an Aspartic acid residue, and creates a premature Stop codon at position 10 of the new reading frame, denoted p.Thr477AspfsX10. This variant is predicted to cause loss of normal protein function either through protein truncation or nonsense-mediated mRNA decay. The c.1428dupG variant is not observed at any significant frequency in large population cohorts (Lek et al., 2016; 1000 Genomes Consortium et al., 2015; Exome Variant Server). We interpret c.1428dupG as a pathogenic variant.

Literature cited by the submitters: PubMed 11138009 (cited by Labcorp Genetics (formerly Invitae), Labcorp and Johns Hopkins Genomics, Johns Hopkins University); PubMed 21940737 (cited by Labcorp Genetics (formerly Invitae), Labcorp and Johns Hopkins Genomics, Johns Hopkins University); PubMed 11090341 (cited by Johns Hopkins Genomics, Johns Hopkins University).